The following is an entry in ClinVar:

ClinVar aggregate classification (germline): Uncertain significance (1 of 4 stars; one submission).

Submission:

Labcorp Genetics (formerly Invitae), Labcorp
Classification: Uncertain significance. Last evaluated: 2025-09-06. Review status: criteria provided, single submitter. Criteria: Invitae Variant Classification Sherloc (09022015). Collection method: clinical testing. Allele origin: germline.
Comment: This sequence change replaces alanine, which is neutral and non-polar, with valine, which is neutral and non-polar, at codon 1262 of the NLRP1 protein (p.Ala1262Val). This variant is not present in population databases (gnomAD no frequency). This variant has not been reported in the literature in individuals affected with NLRP1-related conditions. An algorithm developed to predict the effect of missense changes on protein structure and function (PolyPhen-2) suggests that this variant is likely to be disruptive. In summary, the available evidence is currently insufficient to determine the role of this variant in disease. Therefore, it has been classified as a Variant of Uncertain Significance.

NM_033004.4(NLRP1):c.3785C>T (p.Ala1262Val)

Gene: NLRP1 (NLR family pyrin domain containing 1; minus strand). Cytogenetic location: 17p13.2.
Variant type: single nucleotide variant.
Coding change: c.3785C>T on transcript NM_033004.4 (MANE Select); coding-DNA position 3785, C replaced by T.
Protein change: p.Ala1262Val; replaces alanine 1262 with valine.
Molecular consequence: missense variant. On other transcripts: intron variant (2).
Genome position (GRCh38, 1-based): chr17:5,521,011, G>A on the plus strand (C>T on the coding strand, the complement: NLRP1 is on the minus strand). VCF-style: chr17-5521011-G-A. GRCh37 (hg19) VCF-style: chr17-5424331-G-A.
Other names: c.3797C>T, p.Ala1266Val (NM_001033053.3); c.3695C>T, p.Ala1232Val (NM_033006.4); c.3693+513C>T (NM_033007.4); c.3783+513C>T (NM_014922.5); short protein forms A1232V, A1266V, A1262V.
Identifiers: ClinVar variation 4726729 (VCV004726729.1).